The following is an entry in ClinVar:

ClinVar aggregate classification (germline): Uncertain significance (1 of 4 stars; one submission).

Conditions:
Dyskeratosis congenita. Identifiers: Orphanet 1775, MedGen C0265965, MONDO:0015780.

Allele frequency attached by ClinVar (database versions not stated): gnomAD exomes below 0.00001.
gnomAD v4.1: 1 of 1,613,306 alleles (0.000062%); highest among the groups gnomAD compares: Non-Finnish European, 0.000085%; no homozygotes.

Submission:

Labcorp Genetics (formerly Invitae), Labcorp
Classification: Uncertain significance for Dyskeratosis congenita. Last evaluated: 2019-10-09. Review status: criteria provided, single submitter. Criteria: Invitae Variant Classification Sherloc (09022015). Collection method: clinical testing. Allele origin: germline.
Comment: This variant has not been reported in the literature in individuals with TINF2-related conditions. Algorithms developed to predict the effect of missense changes on protein structure and function are either unavailable or do not agree on the potential impact of this missense change (SIFT: "Deleterious"; PolyPhen-2: "Possibly Damaging"; Align-GVGD: "Class C0"). In summary, the available evidence is currently insufficient to determine the role of this variant in disease. Therefore, it has been classified as a Variant of Uncertain Significance. This variant is not present in population databases (ExAC no frequency). This sequence change replaces arginine with cysteine at codon 13 of the TINF2 protein (p.Arg13Cys). The arginine residue is highly conserved and there is a large physicochemical difference between arginine and cysteine.

NM_001099274.3(TINF2):c.37C>T (p.Arg13Cys)

Gene: TINF2 (TERF1 interacting nuclear factor 2; minus strand). Cytogenetic location: 14q12.
Variant type: single nucleotide variant.
Coding change: c.37C>T on transcript NM_001099274.3 (MANE Select); coding-DNA position 37, C replaced by T.
Protein change: p.Arg13Cys; replaces arginine 13 with cysteine.
Molecular consequence: missense variant.
Genome position (GRCh38, 1-based): chr14:24,242,296, G>A on the plus strand (C>T on the coding strand, the complement: TINF2 is on the minus strand). VCF-style: chr14-24242296-G-A. GRCh37 (hg19) VCF-style: chr14-24711502-G-A.
Other names: c.37C>T, p.Arg13Cys (NM_001363668.2, NM_012461.3); short protein forms R13C.
Identifiers: ClinVar variation 965052 (VCV000965052.9), dbSNP rs2040598351, ClinGen allele CA389236797.